The following is an entry in ClinVar:

NM_004281.4(BAG3):c.1366G>C (p.Glu456Gln)

Gene: BAG3 (BAG cochaperone 3; plus strand). Cytogenetic location: 10q26.11.
Variant type: single nucleotide variant.
Coding change: c.1366G>C on transcript NM_004281.4 (MANE Select); coding-DNA position 1366, G replaced by C.
Protein change: p.Glu456Gln; replaces glutamic acid 456 with glutamine.
Molecular consequence: missense variant.
Genome position (GRCh38, 1-based): chr10:119,676,920, G>C. VCF-style: chr10-119676920-G-C. GRCh37 (hg19) VCF-style: chr10-121436432-G-C.
Other names: short protein forms E456Q.
Identifiers: ClinVar variation 4783157 (VCV004783157.1).

ClinVar aggregate classification (germline): Pathogenic (1 of 4 stars; one submission).

Conditions:
Dilated cardiomyopathy 1HH (CMD1HH). Identifiers: Orphanet 154, MedGen C3151293, MONDO:0013479, OMIM 613881.
Myofibrillar myopathy 6. Identifiers: Orphanet 199340, MedGen C2751831, MONDO:0013061, OMIM 612954.

Submission:

Labcorp Genetics (formerly Invitae), Labcorp
Classification: Pathogenic for Dilated cardiomyopathy 1HH; Myofibrillar myopathy 6. Last evaluated: 2025-06-16. Review status: criteria provided, single submitter. Criteria: Invitae Variant Classification Sherloc (09022015). Collection method: clinical testing. Allele origin: germline.
Comment: This sequence change replaces glutamic acid, which is acidic and polar, with glutamine, which is neutral and polar, at codon 456 of the BAG3 protein (p.Glu456Gln). This variant is not present in population databases (gnomAD no frequency). This missense change has been observed in individual(s) with clinical features of dilated cardiomyopathy (internal data). In at least one individual the variant was observed to be de novo. Invitae Evidence Modeling of protein sequence and biophysical properties (such as structural, functional, and spatial information, amino acid conservation, physicochemical variation, residue mobility, and thermodynamic stability) indicates that this missense variant is expected to disrupt BAG3 protein function with a positive predictive value of 80%. For these reasons, this variant has been classified as Pathogenic.